The following is an entry in ClinVar:

NM_018368.4(LMBRD1):c.694T>A (p.Tyr232Asn)

Gene: LMBRD1 (LMBR1 domain containing 1; minus strand). Cytogenetic location: 6q13.
Variant type: single nucleotide variant.
Coding change: c.694T>A on transcript NM_018368.4 (MANE Select); coding-DNA position 694, T replaced by A.
Protein change: p.Tyr232Asn; replaces tyrosine 232 with asparagine.
Molecular consequence: missense variant.
Genome position (GRCh38, 1-based): chr6:69,719,024, A>T on the plus strand (T>A on the coding strand, the complement: LMBRD1 is on the minus strand). VCF-style: chr6-69719024-A-T. GRCh37 (hg19) VCF-style: chr6-70428916-A-T.
Other names: c.475T>A, p.Tyr159Asn (NM_001363722.2, NM_001367271.1, NM_001367272.1); short protein forms Y159N, Y232N.
Identifiers: ClinVar variation 938045 (VCV000938045.8), dbSNP rs370829456, ClinGen allele CA3879809.

ClinVar aggregate classification (germline): Uncertain significance. Review status: criteria provided, multiple submitters, no conflicts (2 of 4 stars). 2 submissions from 2 submitters: Uncertain significance (2). Last evaluated 2025-04-09.

Conditions:
Inborn genetic diseases. Identifiers: MedGen C0950123, MeSH D030342.
Methylmalonic aciduria and homocystinuria type cblF. Also called: VITAMIN B12 LYSOSOMAL RELEASE DEFECT; VITAMIN B12 STORAGE DISEASE; COBALAMIN F DISEASE; COBALAMIN, DEFECT IN LYSOSOMAL RELEASE OF; METHYLMALONIC ACIDEMIA AND HOMOCYSTINURIA, cblF TYPE; METHYLMALONIC ACIDURIA DUE TO VITAMIN B12-RELEASE DEFECT. Identifiers: Orphanet 79284, MedGen C1848578, MONDO:0010183, OMIM 277380.

Allele frequency attached by ClinVar (database versions not stated): gnomAD 0.00003 and 0.00004; gnomAD exomes 0.00004 and 0.00007; TOPMed 0.00004; ExAC 0.00007; ESP Exome Variant Server 0.00008.
gnomAD v4.1: 70 of 1,613,112 alleles (0.0043%); highest among the groups gnomAD compares: Middle Eastern, 0.082%; no homozygotes.

Submissions (2):

Ambry Genetics
Classification: Uncertain significance for Inborn genetic diseases. Last evaluated: 2025-04-09. Review status: criteria provided, single submitter. Criteria: Ambry Variant Classification Scheme 2023. Collection method: clinical testing. Allele origin: germline.

Labcorp Genetics (formerly Invitae), Labcorp
Classification: Uncertain significance for Methylmalonic aciduria and homocystinuria type cblF. Last evaluated: 2024-12-09. Review status: criteria provided, single submitter. Criteria: Invitae Variant Classification Sherloc (09022015). Collection method: clinical testing. Allele origin: germline.
Comment: This sequence change replaces tyrosine, which is neutral and polar, with asparagine, which is neutral and polar, at codon 232 of the LMBRD1 protein (p.Tyr232Asn). This variant is present in population databases (rs370829456, gnomAD 0.01%). This variant has not been reported in the literature in individuals affected with LMBRD1-related conditions. ClinVar contains an entry for this variant (Variation ID: 938045). Invitae Evidence Modeling of protein sequence and biophysical properties (such as structural, functional, and spatial information, amino acid conservation, physicochemical variation, residue mobility, and thermodynamic stability) indicates that this missense variant is not expected to disrupt LMBRD1 protein function with a negative predictive value of 80%. In summary, the available evidence is currently insufficient to determine the role of this variant in disease. Therefore, it has been classified as a Variant of Uncertain Significance.